The following is an entry in ClinVar:

ClinVar aggregate classification (germline): Uncertain significance (1 of 4 stars; one submission).

Submission:

GeneDx
Classification: Uncertain significance. Last evaluated: 2024-02-23. Review status: criteria provided, single submitter. Criteria: GeneDx Variant Classification Process June 2021. Collection method: clinical testing. Allele origin: germline. Affected: yes.
Comment: Not observed at significant frequency in large population cohorts (gnomAD); In silico analysis supports that this missense variant has a deleterious effect on protein structure/function; Has not been previously published as pathogenic or benign to our knowledge

NM_014795.4(ZEB2):c.2912A>G (p.Asp971Gly)

Gene: ZEB2 (zinc finger E-box binding homeobox 2; minus strand). Cytogenetic location: 2q22.3.
Variant type: single nucleotide variant.
Coding change: c.2912A>G on transcript NM_014795.4 (MANE Select); coding-DNA position 2912, A replaced by G.
Protein change: p.Asp971Gly; replaces aspartic acid 971 with glycine.
Molecular consequence: missense variant.
Genome position (GRCh38, 1-based): chr2:144,396,567, T>C on the plus strand (A>G on the coding strand, the complement: ZEB2 is on the minus strand). VCF-style: chr2-144396567-T-C. GRCh37 (hg19) VCF-style: chr2-145154134-T-C.
Other names: c.2840A>G, p.Asp947Gly (NM_001171653.2); short protein forms D947G, D971G.
Identifiers: ClinVar variation 3369776 (VCV003369776.1).
Genomic context (GRCh38, chr2:144,396,567, plus strand): 5'-ATCTTTTTGCGAGACAGACAGGAGTCGGAGTCTGTCATATCATCTAGGCCTGACATGTAG[T>C]CTTGTGCTCCATCAAGCAATTCTCCCTGCGATAGAATCACACAGTTCAATACAGTGGCTT-3'
Protein context (NP_055610.1, residues 961-981): FQGELLDGAQ[Asp971Gly]YMSGLDDMTD